The following is an entry in ClinVar:

ClinVar aggregate classification (germline): Uncertain significance. Review status: criteria provided, multiple submitters, no conflicts (2 of 4 stars). 3 submissions from 3 submitters: Uncertain significance (2). 1 of the submissions does not count toward it. Last evaluated 2025-04-10.

Conditions:
Hereditary cancer-predisposing syndrome. Also called: Neoplastic Syndromes, Hereditary; Hereditary neoplastic syndrome; Tumor predisposition; Hereditary Cancer Syndrome. Identifiers: Orphanet 140162, MedGen C0027672, MeSH D009386, MONDO:0015356.
Bloom syndrome (BLM). Also called: Bloom-Torre-Machacek syndrome. Identifiers: Orphanet 125, MedGen C0005859, MONDO:0008876, OMIM 210900.

Submissions (3):

Ambry Genetics
Classification: Uncertain significance for Hereditary cancer-predisposing syndrome. Last evaluated: 2025-04-10. Review status: criteria provided, single submitter. Criteria: Ambry Variant Classification Scheme 2023. Collection method: clinical testing. Allele origin: germline.
Comment: The p.N1184D variant (also known as c.3550A>G), located in coding exon 17 of the BLM gene, results from an A to G substitution at nucleotide position 3550. The asparagine at codon 1184 is replaced by aspartic acid, an amino acid with highly similar properties. This amino acid position is poorly conserved in available vertebrate species. In addition, this alteration is predicted to be tolerated by in silico analysis. Since supporting evidence is limited at this time, the clinical significance of this alteration remains unclear.

Labcorp Genetics (formerly Invitae), Labcorp
Classification: Uncertain significance for Bloom syndrome. Last evaluated: 2022-12-13. Review status: criteria provided, single submitter. Criteria: Invitae Variant Classification Sherloc (09022015). Collection method: clinical testing. Allele origin: germline.
Comment: In summary, the available evidence is currently insufficient to determine the role of this variant in disease. Therefore, it has been classified as a Variant of Uncertain Significance. ClinVar contains an entry for this variant (Variation ID: 990973). Advanced modeling of protein sequence and biophysical properties (such as structural, functional, and spatial information, amino acid conservation, physicochemical variation, residue mobility, and thermodynamic stability) performed at Invitae indicates that this missense variant is not expected to disrupt BLM protein function. This variant is not present in population databases (gnomAD no frequency). This sequence change replaces asparagine, which is neutral and polar, with aspartic acid, which is acidic and polar, at codon 1184 of the BLM protein (p.Asn1184Asp). This variant has not been reported in the literature in individuals affected with BLM-related conditions.

Natera, Inc.
Classification: Uncertain significance for Bloom syndrome. Last evaluated: 2020-04-24. Review status: no assertion criteria provided. Collection method: clinical testing. Allele origin: germline. Not counted in ClinVar's aggregate classification.

NM_000057.4(BLM):c.3550A>G (p.Asn1184Asp)

Gene: BLM (BLM RecQ like helicase; plus strand). Cytogenetic location: 15q26.1.
Variant type: single nucleotide variant.
Coding change: c.3550A>G on transcript NM_000057.4 (MANE Select); coding-DNA position 3550, A replaced by G.
Protein change: p.Asn1184Asp; replaces asparagine 1184 with aspartic acid.
Molecular consequence: missense variant. On other transcripts: intron variant (1).
Genome position (GRCh38, 1-based): chr15:90,803,712, A>G. VCF-style: chr15-90803712-A-G. GRCh37 (hg19) VCF-style: chr15-91346942-A-G.
Other names: c.3550A>G, p.Asn1184Asp (NM_001287246.2); c.2425A>G, p.Asn809Asp (NM_001287248.2); c.3358+5375A>G (NM_001287247.2); c.3550A>G (NM_000057.2); short protein forms N1184D, N809D.
Identifiers: ClinVar variation 990973 (VCV000990973.10), dbSNP rs1463025227, ClinGen allele CA393847843.
Genomic context (GRCh38, chr15:90,803,712, plus strand): 5'-AATGACCAGGCGATCGCTTATGTGATGCTCGGAAATAAAGCCCAAACTGTACTAAATGGC[A>G]ATTTAAAGGTATAGTATTTTTCATGTTTATTTTATTATCTCACAATGAGTGAACCAAAAT-3'
Protein context (NP_000048.1, residues 1174-1194): GNKAQTVLNG[Asn1184Asp]LKVDFMETEN